The following is an entry in ClinVar:

ClinVar aggregate classification (germline): Conflicting classifications of pathogenicity. Review status: criteria provided, conflicting classifications (1 of 4 stars). 3 submissions from 3 submitters: Uncertain significance (1); Likely benign (2). Last evaluated 2026-01-05.

Conditions:
Hereditary cancer-predisposing syndrome. Also called: Neoplastic Syndromes, Hereditary; Hereditary Cancer Syndrome; Hereditary neoplastic syndrome; Tumor predisposition. Identifiers: Orphanet 140162, MedGen C0027672, MeSH D009386, MONDO:0015356.
Neuroblastoma, susceptibility to, 3. Also called: ALK-Related Neuroblastic Tumor Susceptibility. Identifiers: Orphanet 635, MedGen C2751681, MONDO:0013083, OMIM 613014.

Allele frequency attached by ClinVar (database versions not stated): TOPMed 0.00001; ExAC 0.00002; gnomAD exomes 0.00002 and 0.00004.
gnomAD v4.1: 11 of 1,614,204 alleles (0.00068%); highest among the groups gnomAD compares: Admixed American, 0.018%; no homozygotes.

Submissions (3):

Labcorp Genetics (formerly Invitae), Labcorp
Classification: Uncertain significance for Neuroblastoma, susceptibility to, 3. Last evaluated: 2026-01-05. Review status: criteria provided, single submitter. Criteria: Invitae Variant Classification Sherloc (09022015). Collection method: clinical testing. Allele origin: germline.
Comment: This sequence change replaces valine, which is neutral and non-polar, with leucine, which is neutral and non-polar, at codon 1111 of the ALK protein (p.Val1111Leu). This variant is present in population databases (rs752052590, gnomAD 0.03%). This variant has not been reported in the literature in individuals affected with ALK-related conditions. ClinVar contains an entry for this variant (Variation ID: 823616). An algorithm developed to predict the effect of missense changes on protein structure and function (PolyPhen-2) suggests that this variant is likely to be tolerated. In summary, the available evidence is currently insufficient to determine the role of this variant in disease. Therefore, it has been classified as a Variant of Uncertain Significance.

Ambry Genetics
Classification: Likely benign for Hereditary cancer-predisposing syndrome. Last evaluated: 2022-07-27. Review status: criteria provided, single submitter. Criteria: Ambry Variant Classification Scheme 2023. Collection method: clinical testing. Allele origin: germline.

Sema4
Classification: Likely benign for Hereditary cancer-predisposing syndrome. Last evaluated: 2021-06-17. Review status: criteria provided, single submitter. Criteria: Sema4 Curation Guidelines. Collection method: curation. Allele origin: germline.

NM_004304.5(ALK):c.3331G>T (p.Val1111Leu)

Gene: ALK (ALK receptor tyrosine kinase; minus strand). Cytogenetic location: 2p23.2.
Variant type: single nucleotide variant.
Coding change: c.3331G>T on transcript NM_004304.5 (MANE Select); coding-DNA position 3331, G replaced by T.
Protein change: p.Val1111Leu; replaces valine 1111 with leucine.
Molecular consequence: missense variant.
Genome position (GRCh38, 1-based): chr2:29,223,370, C>A on the plus strand (G>T on the coding strand, the complement: ALK is on the minus strand). VCF-style: chr2-29223370-C-A. GRCh37 (hg19) VCF-style: chr2-29446236-C-A.
Other names: c.127G>T, p.Val43Leu (NM_001353765.2); short protein forms V1111L, V43L.
Identifiers: ClinVar variation 823616 (VCV000823616.15), dbSNP rs752052590, ClinGen allele CA1594008.